The following is an entry in ClinVar:

NM_001165963.4(SCN1A):c.5886C>G (p.Asp1962Glu)

Genes: SCN1A (sodium voltage-gated channel alpha subunit 1; minus strand), LOC102724058 (uncharacterized LOC102724058; plus strand). Cytogenetic location: 2q24.3.
Variant type: single nucleotide variant.
Coding change: c.5886C>G on transcript NM_001165963.4 (MANE Select); coding-DNA position 5886, C replaced by G.
Protein change: p.Asp1962Glu; replaces aspartic acid 1962 with glutamic acid.
Molecular consequence: missense variant. On other transcripts: non-coding transcript variant (1).
Genome position (GRCh38, 1-based): chr2:165,991,389, G>C on the plus strand (C>G on the coding strand, the complement: SCN1A is on the minus strand). VCF-style: chr2-165991389-G-C. GRCh37 (hg19) VCF-style: chr2-166847899-G-C.
Other names: c.5802C>G, p.Asp1934Glu (NM_001165964.3, NM_001353957.2, NM_001353958.2); c.5886C>G, p.Asp1962Glu (NM_001202435.3, NM_001353948.2); c.5853C>G, p.Asp1951Glu (NM_001353949.2, NM_001353950.2, NM_001353951.2 and 2 more transcripts); c.5850C>G, p.Asp1950Glu (NM_001353954.2, NM_001353955.2); c.5799C>G, p.Asp1933Glu (NM_001353960.2); c.3444C>G, p.Asp1148Glu (NM_001353961.2); short protein forms D1933E, D1951E, D1962E, D1148E, D1934E, D1950E.
Identifiers: ClinVar variation 4996260 (VCV004996260.1).
Genomic context (GRCh38, chr2:165,991,389, plus strand): 5'-ACAAGCTGCAGTGGACATGGTCAGATCAGTTTTTTCTGTAATAGAGTTTTCATTTATTCT[G>C]TCAATTATCATGTCTTCTTTTATAAGAAGATTAGCCCCACCTTTGATTTTGTTTTTATTG-3'
Protein context (NP_001159435.1, residues 1952-1972): NLLIKEDMII[Asp1962Glu]RINENSITEK

ClinVar aggregate classification (germline): Uncertain significance (1 of 4 stars; one submission).

Conditions:
SCN1A-related disorder. Also called: SCN1A-related disorders; SCN1A-related conditions; SCN1A-related condition.

Submission:

PreventionGenetics, part of Exact Sciences
Classification: Uncertain significance for SCN1A-related condition. Last evaluated: 2026-09-03. Review status: criteria provided, single submitter. Criteria: ACMG Guidelines, 2015. Collection method: clinical testing. Allele origin: germline.
Comment: The SCN1A c.5886C>G variant is predicted to result in the amino acid substitution p.Asp1962Glu. To our knowledge, this variant has not been reported in the literature or in a large population database (gnomAD), indicating this variant is rare. At this time, the clinical significance of this variant is uncertain due to the absence of conclusive functional and genetic evidence.